The following is an entry in ClinVar:

NM_023036.6(DNAI2):c.1513del (p.Arg505fs)

Gene: DNAI2 (dynein axonemal intermediate chain 2; plus strand). Cytogenetic location: 17q25.1.
Variant type: Deletion.
Coding change: c.1513del on transcript NM_023036.6 (MANE Select); coding-DNA position 1513, one base deleted (C; older notation c.1513delC).
Protein change: p.Arg505fs; shifts the reading frame from arginine 505.
Molecular consequence: frameshift variant. On other transcripts: non-coding transcript variant (1).
Genome position (GRCh38, 1-based): chr17:74,312,021, C deleted; the last of 3 consecutive C bases (chr17:74,312,019-74,312,021); deleting any one gives the same sequence. VCF-style (leftmost placement, unchanged base first): chr17-74312018-AC-A. GRCh37 (hg19) VCF-style: chr17-72308157-AC-A.
Other names: c.1477del, p.Arg493fs (NM_001172810.3); c.1513del, p.Arg505fs (NM_001353167.2); short protein forms R493fs, R505fs.
Identifiers: ClinVar variation 2761089 (VCV002761089.4), dbSNP rs2509773951, ClinGen allele CA2697555118.

ClinVar aggregate classification (germline): Pathogenic. Review status: criteria provided, multiple submitters, no conflicts (2 of 4 stars). 2 submissions from 2 submitters: Pathogenic (2). Last evaluated 2026-03-20.

Conditions:
Primary ciliary dyskinesia 9. Also called: CILIARY DYSKINESIA, PRIMARY, 9, WITH OR WITHOUT SITUS INVERSUS. Identifiers: Orphanet 244, MedGen C2676235, MONDO:0012906, OMIM 612444.
Primary ciliary dyskinesia. Also called: Ciliary dyskinesia. Identifiers: Orphanet 244, MedGen C0008780, MONDO:0016575, HP:0012265.

Submissions (2):

Myriad Genetics, Inc.
Classification: Pathogenic for Primary ciliary dyskinesia 9. Last evaluated: 2026-03-20. Review status: criteria provided, single submitter. Criteria: Myriad Autosomal Dominant, Autosomal Recessive and X-Linked Classification Criteria (2023). Collection method: clinical testing. Allele origin: unknown.
Comment: NM_023036.4(DNAI2):c.1513delC(R505Gfs*15) is a frameshift variant classified as pathogenic in the context of primary ciliary dyskinesia, DNAI2-related. R505Gfs*15 has not been observed in cases with relevant disease. Relevant functional assessments of this variant are not available in the literature. R505Gfs*15 has not been observed in referenced population frequency databases. In summary, NM_023036.4(DNAI2):c.1513delC(R505Gfs*15) is a frameshift variant in a gene where loss of function is a known mechanism of disease and is predicted to disrupt protein function. Please note: this variant was assessed in the context of healthy population screening.

Labcorp Genetics (formerly Invitae), Labcorp
Classification: Pathogenic for Primary ciliary dyskinesia. Last evaluated: 2023-12-13. Review status: criteria provided, single submitter. Criteria: Invitae Variant Classification Sherloc (09022015). Collection method: clinical testing. Allele origin: germline.
Comment: This sequence change creates a premature translational stop signal (p.Arg505Glyfs*15) in the DNAI2 gene. It is expected to result in an absent or disrupted protein product. Loss-of-function variants in DNAI2 are known to be pathogenic (PMID: 18950741, 23891469). This variant is not present in population databases (gnomAD no frequency). This variant has not been reported in the literature in individuals affected with DNAI2-related conditions. Algorithms developed to predict the effect of sequence changes on RNA splicing suggest that this variant may disrupt the consensus splice site. For these reasons, this variant has been classified as Pathogenic.

Literature cited by the submitters: PubMed 18950741 (cited by Labcorp Genetics (formerly Invitae), Labcorp); PubMed 23891469 (cited by Labcorp Genetics (formerly Invitae), Labcorp).